The following is an entry in ClinVar:

ClinVar aggregate classification (germline): Uncertain significance (1 of 4 stars; one submission).

Allele frequency attached by ClinVar (database versions not stated): gnomAD exomes below 0.00001.
gnomAD v4.1: 1 of 1,210,147 alleles (0.000083%); highest among the groups gnomAD compares: Non-Finnish European, 0.00011%; no homozygotes.

Submission:

GeneDx
Classification: Uncertain significance. Last evaluated: 2023-04-09. Review status: criteria provided, single submitter. Criteria: GeneDx Variant Classification Process June 2021. Collection method: clinical testing. Allele origin: germline. Affected: yes.
Comment: Not observed at significant frequency in large population cohorts (gnomAD); In silico analysis supports that this missense variant has a deleterious effect on protein structure/function; Has not been previously published as pathogenic or benign to our knowledge

NM_004595.5(SMS):c.1081T>C (p.Trp361Arg)

Gene: SMS (spermine synthase; plus strand). Cytogenetic location: Xp22.11.
Variant type: single nucleotide variant.
Coding change: c.1081T>C on transcript NM_004595.5 (MANE Select); coding-DNA position 1081, T replaced by C.
Protein change: p.Trp361Arg; replaces tryptophan 361 with arginine.
Molecular consequence: missense variant.
Genome position (GRCh38, 1-based): chrX:21,994,331, T>C. VCF-style: chrX-21994331-T-C. GRCh37 (hg19) VCF-style: chrX-22012449-T-C.
Other names: c.922T>C, p.Trp308Arg (NM_001258423.2); short protein forms W308R, W361R.
Identifiers: ClinVar variation 2663174 (VCV002663174.1), dbSNP rs2519690027, ClinGen allele CA412572199.